The following is an entry in ClinVar:

NM_001375808.2(LPIN2):c.1901C>T (p.Ser634Leu)

Gene: LPIN2 (lipin 2; minus strand). Cytogenetic location: 18p11.31.
Variant type: single nucleotide variant.
Coding change: c.1901C>T on transcript NM_001375808.2 (MANE Select); coding-DNA position 1901, C replaced by T.
Protein change: p.Ser634Leu; replaces serine 634 with leucine.
Molecular consequence: missense variant.
Genome position (GRCh38, 1-based): chr18:2,925,261, G>A on the plus strand (C>T on the coding strand, the complement: LPIN2 is on the minus strand). VCF-style: chr18-2925261-G-A. GRCh37 (hg19) VCF-style: chr18-2925259-G-A.
Other names: c.1901C>T, p.Ser634Leu (NM_014646.2, NM_001375809.1); short protein forms S634L.
Identifiers: ClinVar variation 3011393 (VCV003011393.3), dbSNP rs2510246030, ClinGen allele CA401701550.
Genomic context (GRCh38, chr18:2,925,261, plus strand): 5'-AACACAGATCATGCAAGACTCACGATCTGGTCTGAGGAGAGGCGGAGAGACTTCTTATAT[G>A]AAGTTGTGCTGCCGTGGCTCAGGGGCTCTGTGGGGATGGGGTCCACTGTGATGGATTCTT-3'
Protein context (NP_001362737.1, residues 624-644): TEPLSHGSTT[Ser634Leu]YKKSLRLSSD

ClinVar aggregate classification (germline): Uncertain significance (1 of 4 stars; one submission).

Conditions:
Majeed syndrome (MJDS). Also called: LPIN2-Related Majeed Syndrome; CHRONIC RECURRENT MULTIFOCAL OSTEOMYELITIS 1, WITH CONGENITAL DYSERYTHROPOIETIC ANEMIA, WITH OR WITHOUT NEUTROPHILIC DERMATOSIS. Identifiers: Orphanet 77297, MedGen C1864997, MONDO:0012316, OMIM 609628.

Allele frequency attached by ClinVar (database versions not stated): gnomAD exomes below 0.00001.
gnomAD v4.1: 1 of 1,614,208 alleles (0.000062%); no homozygotes.

Submission:

Labcorp Genetics (formerly Invitae), Labcorp
Classification: Uncertain significance for Majeed syndrome. Last evaluated: 2023-11-13. Review status: criteria provided, single submitter. Criteria: Invitae Variant Classification Sherloc (09022015). Collection method: clinical testing. Allele origin: germline.
Comment: This sequence change replaces serine, which is neutral and polar, with leucine, which is neutral and non-polar, at codon 634 of the LPIN2 protein (p.Ser634Leu). This variant is not present in population databases (gnomAD no frequency). This variant has not been reported in the literature in individuals affected with LPIN2-related conditions. Advanced modeling of protein sequence and biophysical properties (such as structural, functional, and spatial information, amino acid conservation, physicochemical variation, residue mobility, and thermodynamic stability) performed at Invitae indicates that this missense variant is not expected to disrupt LPIN2 protein function with a negative predictive value of 80%. In summary, the available evidence is currently insufficient to determine the role of this variant in disease. Therefore, it has been classified as a Variant of Uncertain Significance.